The following is an entry in ClinVar:

NM_001160372.4(TRAPPC9):c.2551G>A (p.Val851Met)

Gene: TRAPPC9 (trafficking protein particle complex subunit 9; minus strand). Cytogenetic location: 8q24.3.
Variant type: single nucleotide variant.
Coding change: c.2551G>A on transcript NM_001160372.4 (MANE Select); coding-DNA position 2551, G replaced by A.
Protein change: p.Val851Met; replaces valine 851 with methionine.
Molecular consequence: missense variant. On other transcripts: non-coding transcript variant (1).
Genome position (GRCh38, 1-based): chr8:140,221,464, C>T on the plus strand (G>A on the coding strand, the complement: TRAPPC9 is on the minus strand). VCF-style: chr8-140221464-C-T. GRCh37 (hg19) VCF-style: chr8-141231563-C-T.
Other names: c.2524G>A, p.Val842Met (NM_001321646.2); c.2572G>A, p.Val858Met (NM_001374682.1); c.2551G>A, p.Val851Met (NM_001374683.1, NM_031466.8); c.2407G>A, p.Val803Met (NM_001374684.1); c.2845G>A (NM_031466.5); short protein forms V803M, V842M, V851M, V858M.
Identifiers: ClinVar variation 1334039 (VCV001334039.4), dbSNP rs1029565906, ClinGen allele CA187260897.
Genomic context (GRCh38, chr8:140,221,464, plus strand): 5'-GCTTTGCAGAAGCCCGAACGGCACGTGGCAGATGCCGTCTGCCATACCAACTCACCTTCA[C>T]GTGGCTGTAGTCGCCTGCTTTGTTGCTCTCGGGTGGGTTCACAGGTTTGCCCTCCACTCG-3'
Protein context (NP_001153844.1, residues 841-861): ESNKAGDYSH[Val851Met]KTLEAVLNFK

ClinVar aggregate classification (germline): Uncertain significance. Review status: criteria provided, multiple submitters, no conflicts (2 of 4 stars). 3 submissions from 3 submitters: Uncertain significance (3). Last evaluated 2024-04-04.

Conditions:
Intellectual developmental disorder, autosomal recessive 13. Also called: Intellectual disability, autosomal recessive 13. Identifiers: Orphanet 88616, MedGen C2750791, MONDO:0013173, OMIM 613192.
Inborn genetic diseases. Identifiers: MedGen C0950123, MeSH D030342.

Allele frequency attached by ClinVar (database versions not stated): gnomAD exomes below 0.00001; gnomAD 0.00001; TOPMed 0.00001.
gnomAD v4.1: 32 of 1,613,968 alleles (0.002%); highest among the groups gnomAD compares: East Asian, 0.0045%; no homozygotes.

Submissions (3):

Ambry Genetics
Classification: Uncertain significance for Inborn genetic diseases. Last evaluated: 2024-04-04. Review status: criteria provided, single submitter. Criteria: Ambry Variant Classification Scheme 2023. Collection method: clinical testing. Allele origin: germline.

Labcorp Genetics (formerly Invitae), Labcorp
Classification: Uncertain significance. Last evaluated: 2022-10-17. Review status: criteria provided, single submitter. Criteria: Invitae Variant Classification Sherloc (09022015). Collection method: clinical testing. Allele origin: germline.
Comment: This sequence change replaces valine, which is neutral and non-polar, with methionine, which is neutral and non-polar, at codon 949 of the TRAPPC9 protein (p.Val949Met). This variant is present in population databases (no rsID available, gnomAD 0.0009%). This variant has not been reported in the literature in individuals affected with TRAPPC9-related conditions. ClinVar contains an entry for this variant (Variation ID: 1334039). Algorithms developed to predict the effect of missense changes on protein structure and function output the following: SIFT: "Not Available"; PolyPhen-2: "Benign"; Align-GVGD: "Not Available". The methionine amino acid residue is found in multiple mammalian species, which suggests that this missense change does not adversely affect protein function. In summary, the available evidence is currently insufficient to determine the role of this variant in disease. Therefore, it has been classified as a Variant of Uncertain Significance.

CENTOGENE GmbH and LLC - Guiding Precision Medicine
Classification: Uncertain significance for Intellectual developmental disorder, autosomal recessive 13. Last evaluated: 2019-05-28. Review status: criteria provided, single submitter. Criteria: ACMG Guidelines, 2015. Collection method: clinical testing. Allele origin: germline. Affected: yes.